The following is an entry in ClinVar:

NM_001353345.2(SETD1B):c.4243C>A (p.Pro1415Thr)

Gene: SETD1B (SET domain containing 1B, histone lysine methyltransferase; plus strand). Cytogenetic location: 12q24.31.
Variant type: single nucleotide variant.
Coding change: c.4243C>A on transcript NM_001353345.2 (MANE Select); coding-DNA position 4243, C replaced by A.
Protein change: p.Pro1415Thr; replaces proline 1415 with threonine.
Molecular consequence: missense variant.
Genome position (GRCh38, 1-based): chr12:121,822,822, C>A. VCF-style: chr12-121822822-C-A. GRCh37 (hg19) VCF-style: chr12-122260728-C-A.
Other names: NM_015048.1:c.4114C>A; short protein forms P1415T.
Identifiers: ClinVar variation 2643471 (VCV002643471.26), dbSNP rs201048316, ClinGen allele CA6839163.
Genomic context (GRCh38, chr12:121,822,822, plus strand): 5'-GGCCTGTCCCTGAGCTCTCCGCAAGTGCCCGGCAGCCCCTTCTCCTACCCAGCCCCGTCC[C>A]CTAGCTTGAGCAGTGGGGGCCTCCCTCGGACACCTGGCCGGGACTTCAGCTTCACACCCA-3'
Protein context (NP_001340274.1, residues 1405-1425): GSPFSYPAPS[Pro1415Thr]SLSSGGLPRT

ClinVar aggregate classification (germline): Benign/Likely benign. Review status: criteria provided, multiple submitters, no conflicts (2 of 4 stars). 3 submissions from 3 submitters: Benign (1); Likely benign (1). 1 of the submissions does not count toward it. Last evaluated 2024-09-25.

Conditions:
SETD1B-related disorder. Also called: SETD1B-related condition.

Allele frequency attached by ClinVar (database versions not stated): gnomAD 0.00078; TOPMed 0.00091; ExAC 0.00101.
gnomAD v4.1: 1,530 of 1,500,800 alleles (0.1%); highest among the groups gnomAD compares: Non-Finnish European, 0.12%; 1 homozygote.

Submissions (3):

Blueprint Genetics
Classification: Likely benign. Last evaluated: 2024-09-25. Review status: criteria provided, single submitter. Criteria: ACMG Guidelines, 2015. Collection method: clinical testing. Allele origin: germline.

CeGaT Center for Human Genetics Tuebingen
Classification: Benign. Last evaluated: 2022-05-01. Review status: criteria provided, single submitter. Criteria: CeGaT Center For Human Genetics Tuebingen Variant Classification Criteria Version 2. Collection method: clinical testing. Allele origin: germline. Affected: yes. Observed: 2 variant alleles.
Comment: SETD1B: BS1, BS2

PreventionGenetics, part of Exact Sciences
Classification: Likely benign for SETD1B-related condition. Last evaluated: 2022-06-13. Review status: no assertion criteria provided. Collection method: clinical testing. Allele origin: germline. Not counted in ClinVar's aggregate classification.
Comment: This variant is classified as likely benign based on ACMG/AMP sequence variant interpretation guidelines (Richards et al. 2015 PMID: 25741868, with internal and published modifications).